The following is an entry in ClinVar:

ClinVar aggregate classification (germline): Benign (1 of 4 stars; one submission).

Allele frequency attached by ClinVar (database versions not stated): 1000 Genomes Project 0.30032; 1000 Genomes Project 30x 0.30403; TOPMed 0.41194; gnomAD 0.42087 and 0.42970.
gnomAD v4.1: 64,227 of 151,934 alleles (42%); highest among the groups gnomAD compares: Non-Finnish European, 52%; 14,759 homozygotes.

Submission:

GeneDx
Classification: Benign. Last evaluated: 2018-06-14. Review status: criteria provided, single submitter. Criteria: GeneDx Variant Classification (06012015). Collection method: clinical testing. Allele origin: germline. Affected: yes.
Comment: This variant is considered likely benign or benign based on one or more of the following criteria: it is a conservative change, it occurs at a poorly conserved position in the protein, it is predicted to be benign by multiple in silico algorithms, and/or has population frequency not consistent with disease.

NM_005476.7(GNE):c.1934-201C>T

Gene: GNE (glucosamine (UDP-N-acetyl)-2-epimerase/N-acetylmannosamine kinase; minus strand). Cytogenetic location: 9p13.3.
Variant type: single nucleotide variant.
Coding change: c.1934-201C>T on transcript NM_005476.7 (MANE Select); 201 bases into the intron before coding-DNA position 1934, C replaced by T.
Molecular consequence: intron variant.
Genome position (GRCh38, 1-based): chr9:36,217,801, G>A on the plus strand (C>T on the coding strand, the complement: GNE is on the minus strand). VCF-style: chr9-36217801-G-A. GRCh37 (hg19) VCF-style: chr9-36217798-G-A.
Other names: c.1757-201C>T (NM_001190388.2, NM_001374798.1); c.2027-201C>T (NM_001128227.3); c.1604-201C>T (NM_001190384.3); c.1781-201C>T (NM_001374797.1); c.1712-201C>T (NM_001190383.3).
Identifiers: ClinVar variation 681355 (VCV000681355.1), dbSNP rs616009, ClinGen allele CA12954816.